The following is an entry in ClinVar:

NM_001165963.4(SCN1A):c.1204T>A (p.Phe402Ile)

Gene: SCN1A (sodium voltage-gated channel alpha subunit 1; minus strand). Cytogenetic location: 2q24.3.
Variant type: single nucleotide variant.
Coding change: c.1204T>A on transcript NM_001165963.4 (MANE Select); coding-DNA position 1204, T replaced by A.
Protein change: p.Phe402Ile; replaces phenylalanine 402 with isoleucine.
Molecular consequence: missense variant. On other transcripts: 5 prime UTR variant (1), non-coding transcript variant (1).
Genome position (GRCh38, 1-based): chr2:166,046,943, A>T on the plus strand (T>A on the coding strand, the complement: SCN1A is on the minus strand). VCF-style: chr2-166046943-A-T. GRCh37 (hg19) VCF-style: chr2-166903453-A-T.
Other names: c.1204T>A, p.Phe402Ile (NM_001165964.3, NM_001202435.3, NM_001353948.2 and 10 more transcripts); c.-1222T>A (NM_001353961.2); short protein forms F402I.
Identifiers: ClinVar variation 801813 (VCV000801813.3), dbSNP rs796053094, ClinGen allele CA349070987.

ClinVar aggregate classification (germline): Likely pathogenic. Review status: criteria provided, multiple submitters, no conflicts (2 of 4 stars). 2 submissions from 2 submitters: Likely pathogenic (2). Last evaluated 2024-10-13.

Conditions:
Severe myoclonic epilepsy in infancy (DRVT). Also called: DEVELOPMENTAL AND EPILEPTIC ENCEPHALOPATHY 6A; Severe Myoclonic Epilepsy in Infancy (SMEI); Dravet syndrome; Epileptic encephalopathy, early infantile, 6 (Dravet syndrome); SEVERE MYOCLONIC EPILEPSY OF INFANCY. Identifiers: Orphanet 33069, MedGen C0751122, MONDO:0100135, OMIM 607208.
Early-infantile DEE. Also called: Early infantile epileptic encephalopathy; Ohtahara syndrome; Early infantile epileptic encephalopathy with suppression bursts. Identifiers: Orphanet 1934, MedGen C0393706, MONDO:0800491.

Submissions (2):

Labcorp Genetics (formerly Invitae), Labcorp
Classification: Likely pathogenic for Early-infantile DEE. Last evaluated: 2024-10-13. Review status: criteria provided, single submitter. Criteria: Invitae Variant Classification Sherloc (09022015). Collection method: clinical testing. Allele origin: germline.
Comment: This sequence change replaces phenylalanine, which is neutral and non-polar, with isoleucine, which is neutral and non-polar, at codon 402 of the SCN1A protein (p.Phe402Ile). This variant is not present in population databases (gnomAD no frequency). This variant has not been reported in the literature in individuals affected with SCN1A-related conditions. ClinVar contains an entry for this variant (Variation ID: 801813). Invitae Evidence Modeling of protein sequence and biophysical properties (such as structural, functional, and spatial information, amino acid conservation, physicochemical variation, residue mobility, and thermodynamic stability) indicates that this missense variant is expected to disrupt SCN1A protein function with a positive predictive value of 95%. This variant disrupts the p.Phe402 amino acid residue in SCN1A. Other variant(s) that disrupt this residue have been determined to be pathogenic (PMID: 28837158; internal data). This suggests that this residue is clinically significant, and that variants that disrupt this residue are likely to be disease-causing. In summary, the currently available evidence indicates that the variant is pathogenic, but additional data are needed to prove that conclusively. Therefore, this variant has been classified as Likely Pathogenic.

Mendelics
Classification: Likely pathogenic for Severe myoclonic epilepsy in infancy. Last evaluated: 2019-05-28. Review status: criteria provided, single submitter. Criteria: Mendelics Assertion Criteria 2017. Collection method: clinical testing. Allele origin: unknown.

Literature cited by the submitters: PubMed 28837158 (cited by Labcorp Genetics (formerly Invitae), Labcorp).